The following is an entry in ClinVar:

ClinVar aggregate classification (germline): Uncertain significance. Review status: criteria provided, multiple submitters, no conflicts (2 of 4 stars). 2 submissions from 2 submitters: Uncertain significance (2). Last evaluated 2024-03-06.

Conditions:
Cardiomyopathy (CMYO). Also called: Cardiomyopathies. Identifiers: Orphanet 167848, MedGen C0878544, MONDO:0004994, HP:0001638. Inheritance: Various modes of inheritance.
Cardiovascular phenotype. Identifiers: MedGen CN230736.

Submissions (2):

Color Diagnostics, LLC DBA Color Health
Classification: Uncertain significance for Cardiomyopathy. Last evaluated: 2024-03-06. Review status: criteria provided, single submitter. Criteria: ACMG Guidelines, 2015. Collection method: clinical testing. Allele origin: germline.
Comment: This missense variant replaces arginine with serine at codon 434 of the MYH7 protein. Computational prediction is inconclusive regarding the impact of this variant on protein structure and function (internally defined REVEL score threshold 0.5 < inconclusive < 0.7, PMID: 27666373). To our knowledge, functional studies have not been reported for this variant. This variant has not been reported in individuals affected with cardiovascular disorders in the literature. This variant has not been identified in the general population by the Genome Aggregation Database (gnomAD). The available evidence is insufficient to determine the role of this variant in disease conclusively. Therefore, this variant is classified as a Variant of Uncertain Significance.

Ambry Genetics
Classification: Uncertain significance for Cardiovascular phenotype. Last evaluated: 2023-03-13. Review status: criteria provided, single submitter. Criteria: Ambry Variant Classification Scheme 2023. Collection method: clinical testing. Allele origin: germline.
Comment: The p.R434S variant (also known as c.1302G>T), located in coding exon 12 of the MYH7 gene, results from a G to T substitution at nucleotide position 1302. The arginine at codon 434 is replaced by serine, an amino acid with dissimilar properties. This alteration is located in the myosin head domain, which contains a statistically significant clustering of pathogenic missense variants (Homburger JR et al. Proc Natl Acad Sci U S A, 2016 06;113:6701-6; Walsh R et al. Genet Med, 2017 02;19:192-203; Ambry internal data). This amino acid position is poorly conserved in available vertebrate species. In addition, the in silico prediction for this alteration is inconclusive. Since supporting evidence is limited at this time, the clinical significance of this alteration remains unclear.

NM_000257.4(MYH7):c.1302G>T (p.Arg434Ser)

Gene: MYH7 (myosin heavy chain 7; minus strand). Cytogenetic location: 14q11.2.
Variant type: single nucleotide variant.
Coding change: c.1302G>T on transcript NM_000257.4 (MANE Select); coding-DNA position 1302, G replaced by T.
Protein change: p.Arg434Ser; replaces arginine 434 with serine.
Molecular consequence: missense variant.
Genome position (GRCh38, 1-based): chr14:23,429,060, C>A on the plus strand (G>T on the coding strand, the complement: MYH7 is on the minus strand). VCF-style: chr14-23429060-C-A. GRCh37 (hg19) VCF-style: chr14-23898269-C-A.
Other names: c.1302G>T, p.Arg434Ser (NM_001407004.1); short protein forms R434S.
Identifiers: ClinVar variation 2773961 (VCV002773961.3), dbSNP rs746412400, ClinGen allele CA389050912.
Genomic context (GRCh38, chr14:23,429,060, plus strand): 5'-CTGGCGTGGCTGCTTGGTCTCCAGGGTGGCATTGATGCGCGTCACCATCCAGTTGAACAT[C>A]CTCTCATACACTGCCTTGGCCAGTGCCCCAGTGGCATATATCACCTGCAAGGTGGAGGAG-3'
Protein context (NP_000248.2, residues 424-444): TGALAKAVYE[Arg434Ser]MFNWMVTRIN